The following is an entry in ClinVar:

NM_024301.5(FKRP):c.731G>A (p.Arg244His)

Gene: FKRP (fukutin related protein; plus strand). Cytogenetic location: 19q13.32.
Variant type: single nucleotide variant.
Coding change: c.731G>A on transcript NM_024301.5 (MANE Select); coding-DNA position 731, G replaced by A.
Protein change: p.Arg244His; replaces arginine 244 with histidine.
Molecular consequence: missense variant.
Genome position (GRCh38, 1-based): chr19:46,756,181, G>A. VCF-style: chr19-46756181-G-A. GRCh37 (hg19) VCF-style: chr19-47259438-G-A.
Other names: p.Arg244His; c.731G>A, p.Arg244His (NM_001039885.3); short protein forms R244H.
Identifiers: ClinVar variation 283038 (VCV000283038.71), dbSNP rs764641619, ClinGen allele CA9532194.

ClinVar aggregate classification (germline): Conflicting classifications of pathogenicity. Review status: criteria provided, conflicting classifications (1 of 4 stars). 14 submissions from 14 submitters: Pathogenic (1); Uncertain significance (10); Likely benign (1). 2 of the submissions do not count toward it. Last evaluated 2026-01-19.

Conditions:
Walker-Warburg congenital muscular dystrophy. Also called: Muscular dystrophy-dystroglycanopathy, type A; Walker-Warburg syndrome. Identifiers: Orphanet 899, MedGen C0265221, MONDO:0000171.
Cardiovascular phenotype. Identifiers: MedGen CN230736.
Autosomal recessive limb-girdle muscular dystrophy type 2I. Also called: MUSCULAR DYSTROPHY-DYSTROGLYCANOPATHY, LIMB-GIRDLE, FRKP-RELATED; MUSCULAR DYSTROPHY-DYSTROGLYCANOPATHY (LIMB-GIRDLE), TYPE C, 5; MUSCULAR DYSTROPHY, LIMB-GIRDLE, TYPE 2I. Identifiers: Orphanet 34515, MedGen C1846672, MONDO:0011787, OMIM 607155.
Muscular dystrophy-dystroglycanopathy (congenital with brain and eye anomalies), type A5. Also called: MUSCULAR DYSTROPHY-DYSTROGLYCANOPATHY (CONGENITAL WITH BRAIN AND EYE ANOMALIES), TYPE A, 5; WALKER-WARBURG SYNDROME OR MUSCLE-EYE-BRAIN DISEASE, FKRP-RELATED. Identifiers: Orphanet 588, Orphanet 899, MedGen C3150413, MONDO:0013157, OMIM 613153.
Muscular dystrophy-dystroglycanopathy (congenital with brain and eye anomalies), type A1 (MDDGA1). Also called: Muscular dystrophy-dystroglycanopathy (congenital with brain and eye anomalies), type A, 1; COD-MD SYNDROME; WALKER-WARBURG SYNDROME OR MUSCLE-EYE-BRAIN DISEASE, POMT1-RELATED; Hydrocephalus, agyria and retinal dysplasia; Hard +/- E syndrome; Warburg syndrome. Identifiers: Orphanet 588, Orphanet 899, MedGen C4284790, MONDO:0009364, OMIM 236670.
Muscular dystrophy-dystroglycanopathy type B5 (MDDGB5). Also called: MUSCULAR DYSTROPHY-DYSTROGLYCANOPATHY (CONGENITAL WITH OR WITHOUT IMPAIRED INTELLECTUAL DEVELOPMENT), TYPE B, 5; MUSCULAR DYSTROPHY, CONGENITAL, 1C; MUSCULAR DYSTROPHY, CONGENITAL, FKRP-RELATED. Identifiers: MedGen C1847759, MONDO:0011688, OMIM 606612.

Allele frequency attached by ClinVar (database versions not stated): ExAC below 0.00001; gnomAD 0.00010; TOPMed 0.00020; 1000 Genomes Project 30x 0.00031; gnomAD exomes 0.00035.
gnomAD v4.1: 182 of 1,439,292 alleles (0.013%); highest among the groups gnomAD compares: Admixed American, 0.094%; no homozygotes.

Submissions (14):

Labcorp Genetics (formerly Invitae), Labcorp
Classification: Likely benign for Walker-Warburg congenital muscular dystrophy. Last evaluated: 2026-01-19. Review status: criteria provided, single submitter. Criteria: Invitae Variant Classification Sherloc (09022015). Collection method: clinical testing. Allele origin: germline.

Molecular Diagnostic Laboratory for Inherited Cardiovascular Disease, Montreal Heart Institute
Classification: Uncertain significance for Cardiovascular phenotype. Last evaluated: 2025-07-24. Review status: criteria provided, single submitter. Criteria: ACMG Guidelines, 2015. Collection method: clinical testing. Allele origin: germline. Affected: yes.

Mayo Clinic Laboratories, Mayo Clinic
Classification: Uncertain significance. Last evaluated: 2025-06-20. Review status: criteria provided, single submitter. Criteria: ACMG Guidelines, 2015. Collection method: clinical testing. Allele origin: germline. Observed: 1 variant allele.

GeneDx
Classification: Uncertain significance. Last evaluated: 2025-06-10. Review status: criteria provided, single submitter. Criteria: GeneDx Variant Classification Process June 2021. Collection method: clinical testing. Allele origin: germline. Affected: yes.
Comment: Immunohistochemical analysis noted a depletion of alpha-dystroglycan glycosylation and mildly reduced alpha-dystroglycan on muscle biopsy from the patient (PMID: 17952692); In silico analysis suggests that this missense variant does not alter protein structure/function; Missense variants in this gene are a common cause of disease and they are underrepresented in the general population; This variant is associated with the following publications: (PMID: 26990548, 30564623, 17952692, 16344347, 27439679)

Revvity Omics, Revvity
Classification: Uncertain significance. Last evaluated: 2025-04-02. Review status: criteria provided, single submitter. Criteria: ACMG Guidelines, 2015. Collection method: clinical testing. Allele origin: germline.

Women's Health and Genetics/Laboratory Corporation of America, LabCorp
Classification: Uncertain significance. Last evaluated: 2025-02-19. Review status: criteria provided, single submitter. Criteria: LabCorp Variant Classification Summary - May 2015. Collection method: clinical testing. Allele origin: germline.
Comment: Variant summary: FKRP c.731G>A (p.Arg244His) results in a non-conservative amino acid change located in the fukutin-related protein stem domain (IPR055105) of the encoded protein sequence. Three of five in-silico tools predict a damaging effect of the variant on protein function. The variant allele was found at a frequency of 0.00035 in 57478 control chromosomes. This frequency is not significantly higher than estimated for a pathogenic variant in FKRP causing Autosomal recessive limb-girdle muscular dystrophy type 2I (0.00035 vs 0.011), allowing no conclusion about variant significance. c.731G>A has been reported in the literature in at least one homozygous individual affected with Autosomal recessive limb-girdle muscular dystrophy type 2I (e.g., Boito_2005, Boito_2007), without strong evidence for causality. These data indicate that the variant may be associated with disease. Muscle biopsy analysis of this homozygous patient showed conflicting results indicating that glycosylated alpha-dystroglycan levels were possibly (but not clearly) decreased vs. controls (Boito_2005, Boito_2007). The following publications have been ascertained in the context of this evaluation (PMID: 17952692, 16344347). ClinVar contains an entry for this variant (Variation ID: 283038). Based on the evidence outlined above, the variant was classified as uncertain significance.

Ambry Genetics
Classification: Uncertain significance for Cardiovascular phenotype. Last evaluated: 2024-01-19. Review status: criteria provided, single submitter. Criteria: Ambry Variant Classification Scheme 2023. Collection method: clinical testing. Allele origin: germline.
Comment: The p.R244H variant (also known as c.731G>A), located in coding exon 1 of the FKRP gene, results from a G to A substitution at nucleotide position 731. The arginine at codon 244 is replaced by histidine, an amino acid with highly similar properties. This variant was reported in a homozygous individual with limb girdle muscular dystrophy, including myalgia, more affected lower limbs than upper, and no muscle hypertrophy; muscle biopsy results showed some reduction in glycosylated alpha-dystroglycan expression compared to controls (Boito CA et al. Arch. Neurol., 2005 Dec;62:1894-9; Boito CA et al. Virchows Arch., 2007 Dec;451:1047-55). This amino acid position is not well conserved in available vertebrate species. In addition, the in silico prediction for this alteration is inconclusive. Since supporting evidence is limited at this time, the clinical significance of this alteration remains unclear.

Department of Pathology and Laboratory Medicine, Sinai Health System
Classification: Uncertain significance for Muscular dystrophy-dystroglycanopathy (congenital with brain and eye anomalies), type A1; Muscular dystrophy-dystroglycanopathy type B5; Autosomal recessive limb-girdle muscular dystrophy type 2I; Muscular dystrophy-dystroglycanopathy (congenital with brain and eye anomalies), type A5. Last evaluated: 2023-04-17. Review status: criteria provided, single submitter. Criteria: ACMG Guidelines, 2015. Collection method: research. Allele origin: germline.

Athena Diagnostics
Classification: Uncertain significance. Last evaluated: 2019-11-12. Review status: criteria provided, single submitter. Criteria: Athena Diagnostics Criteria. Collection method: clinical testing. Allele origin: unknown.

CeGaT Center for Human Genetics Tuebingen
Classification: Pathogenic. Last evaluated: 2017-09-01. Review status: criteria provided, single submitter. Criteria: CeGaT Center For Human Genetics Tuebingen Variant Classification Criteria Version 2. Collection method: clinical testing. Allele origin: germline. Affected: yes. Observed: 1 variant allele.

Eurofins Ntd Llc (ga)
Classification: Uncertain significance. Last evaluated: 2017-07-10. Review status: criteria provided, single submitter. Criteria: EGL Classification Definitions 2015. Collection method: clinical testing. Allele origin: germline. Observed: 4 variant alleles, 4 heterozygotes.

Genetic Services Laboratory, University of Chicago
Classification: Uncertain significance. Last evaluated: 2016-06-30. Review status: criteria provided, single submitter. Criteria: ACMG Guidelines, 2015. Collection method: clinical testing. Allele origin: germline. Affected: no.

Natera, Inc.
Classification: Uncertain significance for Limb-girdle muscular dystrophy type 2I. Last evaluated: 2020-01-12. Review status: no assertion criteria provided. Collection method: clinical testing. Allele origin: germline. Not counted in ClinVar's aggregate classification.

Counsyl
Classification: Uncertain significance for Autosomal recessive limb-girdle muscular dystrophy type 2I. Last evaluated: 2016-12-16. Review status: no assertion criteria provided. Collection method: clinical testing. Allele origin: unknown. Not counted in ClinVar's aggregate classification.

Literature cited by the submitters: PubMed 16344347 (cited by 6 submitters); PubMed 17952692 (cited by 4 submitters); PubMed 37154180 (cited by Mayo Clinic Laboratories, Mayo Clinic); PubMed 39408683 (cited by Mayo Clinic Laboratories, Mayo Clinic); PubMed 26990548 (cited by Ambry Genetics).